The following is an entry in ClinVar:

ClinVar aggregate classification (germline): Uncertain significance. Review status: criteria provided, single submitter (1 of 4 stars). 2 submissions from 2 submitters: Uncertain significance (1). 1 of the submissions does not count toward it. Last evaluated 2022-07-12.

Conditions:
Multiple acyl-CoA dehydrogenase deficiency (MADD). Also called: ETHYLMALONIC-ADIPICACIDURIA; GA II; Glutaric acidemia type II; GA 2; Glutaric aciduria, type 2; Glutaric Acidemia type 2. Identifiers: Orphanet 26791, MedGen C0268596, MONDO:0009282, OMIM 231680.
Glutaric acidemia type 2C.

Allele frequency attached by ClinVar (database versions not stated): gnomAD exomes below 0.00001; ExAC 0.00001; TOPMed 0.00001.
gnomAD v4.1: 5 of 1,612,388 alleles (0.00031%); highest among the groups gnomAD compares: South Asian, 0.0011%; no homozygotes.

Submissions (2):

Labcorp Genetics (formerly Invitae), Labcorp
Classification: Uncertain significance for Multiple acyl-CoA dehydrogenase deficiency. Last evaluated: 2022-07-12. Review status: criteria provided, single submitter. Criteria: Invitae Variant Classification Sherloc (09022015). Collection method: clinical testing. Allele origin: germline.
Comment: This sequence change replaces isoleucine, which is neutral and non-polar, with valine, which is neutral and non-polar, at codon 454 of the ETFDH protein (p.Ile454Val). This variant is present in population databases (rs766776740, gnomAD 0.003%). This variant has not been reported in the literature in individuals affected with ETFDH-related conditions. ClinVar contains an entry for this variant (Variation ID: 1022208). Advanced modeling of protein sequence and biophysical properties (such as structural, functional, and spatial information, amino acid conservation, physicochemical variation, residue mobility, and thermodynamic stability) performed at Invitae indicates that this missense variant is not expected to disrupt ETFDH protein function. Algorithms developed to predict the effect of sequence changes on RNA splicing suggest that this variant may create or strengthen a splice site. In summary, the available evidence is currently insufficient to determine the role of this variant in disease. Therefore, it has been classified as a Variant of Uncertain Significance.

Natera, Inc.
Classification: Uncertain significance for Glutaric acidemia type 2C. Last evaluated: 2020-10-15. Review status: no assertion criteria provided. Collection method: clinical testing. Allele origin: germline. Not counted in ClinVar's aggregate classification.

NM_004453.4(ETFDH):c.1360A>G (p.Ile454Val)

Gene: ETFDH (electron transfer flavoprotein dehydrogenase; plus strand). Cytogenetic location: 4q32.1.
Variant type: single nucleotide variant.
Coding change: c.1360A>G on transcript NM_004453.4 (MANE Select); coding-DNA position 1360, A replaced by G.
Protein change: p.Ile454Val; replaces isoleucine 454 with valine.
Molecular consequence: missense variant.
Genome position (GRCh38, 1-based): chr4:158,706,263, A>G. VCF-style: chr4-158706263-A-G. GRCh37 (hg19) VCF-style: chr4-159627415-A-G.
Other names: c.1219A>G, p.Ile407Val (NM_001281737.2); c.1177A>G, p.Ile393Val (NM_001281738.1); short protein forms I393V, I407V, I454V.
Identifiers: ClinVar variation 1022208 (VCV001022208.7), dbSNP rs766776740, ClinGen allele CA3122609.